The following is an entry in ClinVar:

ClinVar aggregate classification (germline): Uncertain significance (1 of 4 stars; one submission).

Conditions:
Coffin-Siris syndrome 8. Identifiers: MedGen C5193054, MONDO:0032702, OMIM 618362.

gnomAD v4.1: 11 of 1,613,778 alleles (0.00068%); highest among the groups gnomAD compares: Admixed American, 0.005%; no homozygotes.

Submission:

Juno Genomics, Hangzhou Juno Genomics, Inc
Classification: Uncertain significance for Coffin-Siris syndrome 8. Review status: criteria provided, single submitter. Criteria: ACMG Guidelines, 2015. Collection method: clinical testing. Allele origin: germline.
Comment: Absent from controls (or at extremely low frequency if recessive) in Genome Aggregation Database.;Missense variant in a gene that has a low rate of benign missense variation.;Multiple lines of computational evidence suggest no impact on gene or gene product.

NM_001330288.2(SMARCC2):c.1721C>T (p.Thr574Met)

Gene: SMARCC2 (SWI/SNF related BAF chromatin remodeling complex subunit C2; minus strand). Cytogenetic location: 12q13.2.
Variant type: single nucleotide variant.
Coding change: c.1721C>T on transcript NM_001330288.2 (MANE Select); coding-DNA position 1721, C replaced by T.
Protein change: p.Thr574Met; replaces threonine 574 with methionine.
Molecular consequence: missense variant. On other transcripts: intron variant (1).
Genome position (GRCh38, 1-based): chr12:56,172,959, G>A on the plus strand (C>T on the coding strand, the complement: SMARCC2 is on the minus strand). VCF-style: chr12-56172959-G-A. GRCh37 (hg19) VCF-style: chr12-56566743-G-A.
Other names: c.1721C>T, p.Thr574Met (NM_001130420.3, NM_139067.4); c.1651-255C>T (NM_003075.5); short protein forms T574M.
Identifiers: ClinVar variation 5005139 (VCV005005139.2).
Genomic context (GRCh38, chr12:56,172,959, plus strand): 5'-GAAAATGAGCAGCCCAGCAGGGTCTGCACCCCACCTACCAGCTCTGGCTTGCCCTTAGCC[G>A]TCTCTGGCACCAGGTCATCCAGCTCTTTGCCCTTTCGCCCAGCCTTGGTATCAGCATCAA-3'
Protein context (NP_001317217.1, residues 564-584): GKELDDLVPE[Thr574Met]AKGKPELQTS